The following is an entry in ClinVar:

NM_001379451.1(BCORL1):c.4274A>G (p.Lys1425Arg)

Gene: BCORL1 (BCL6 corepressor like 1; plus strand). Cytogenetic location: Xq26.1.
Variant type: single nucleotide variant.
Coding change: c.4274A>G on transcript NM_001379451.1 (MANE Select); coding-DNA position 4274, A replaced by G.
Protein change: p.Lys1425Arg; replaces lysine 1425 with arginine.
Molecular consequence: missense variant.
Genome position (GRCh38, 1-based): chrX:130,028,830, A>G. VCF-style: chrX-130028830-A-G. GRCh37 (hg19) VCF-style: chrX-129162805-A-G.
Other names: c.4274A>G, p.Lys1425Arg (NM_001184772.3, NM_001379450.1, NM_021946.5); short protein forms K1425R.
Identifiers: ClinVar variation 1699099 (VCV001699099.5), dbSNP rs2124502701, ClinGen allele CA414554084.

ClinVar aggregate classification (germline): Uncertain significance. Review status: criteria provided, multiple submitters, no conflicts (2 of 4 stars). 2 submissions from 2 submitters: Uncertain significance (2). Last evaluated 2025-02-07.

Conditions:
Shukla-Vernon syndrome. Identifiers: MedGen C5193146, MONDO:0026727, OMIM 301029.

Submissions (2):

Women's Health and Genetics/Laboratory Corporation of America, LabCorp
Classification: Uncertain significance. Last evaluated: 2025-02-07. Review status: criteria provided, single submitter. Criteria: LabCorp Variant Classification Summary - May 2015. Collection method: clinical testing. Allele origin: germline.
Comment: Variant summary: BCORL1 c.4274A>G (p.Lys1425Arg) results in a conservative amino acid change in the encoded protein sequence. Three of five in-silico tools predict a damaging effect of the variant on protein function. The variant was absent in 183302 control chromosomes (gnomAD). The available data on variant occurrences in the general population are insufficient to allow any conclusion about variant significance. To our knowledge, no occurrence of c.4274A>G in individuals affected with Shukla-Vernon Syndrome and no experimental evidence demonstrating its impact on protein function have been reported. ClinVar contains an entry for this variant (Variation ID: 1699099). Based on the evidence outlined above, the variant was classified as uncertain significance.

Victorian Clinical Genetics Services, Murdoch Childrens Research Institute
Classification: Uncertain significance for Shukla-Vernon syndrome. Last evaluated: 2022-02-02. Review status: criteria provided, single submitter. Criteria: ACMG Guidelines, 2015. Collection method: clinical testing. Allele origin: germline. Inheritance: X-linked recessive inheritance.
Comment: Based on the classification scheme VCGS_Germline_v1.3.4, this variant is classified as VUS-3B. Following criteria are met: 0105 - The mechanism of disease for this gene is not clearly established. (I) 0109 - This gene is associated with X-linked recessive disease. Carrier females may have mild manifestations (PMID: 33810051). (I) 0115 - Variants in this gene are known to have variable expressivity. The degree of intellectual disability varies from mild to severe among patients (PMID: 33810051). (I) 0200 - Variant is predicted to result in a missense amino acid change from lysine to arginine. (I) 0253 - This variant is hemizygous. (I) 0301 - Variant is absent from gnomAD (both v2 and v3). (SP) 0502 - Missense variant with conflicting in silico predictions and uninformative conservation. (I) 0604 - Variant is not located in an established domain, motif, hotspot or informative constraint region. (I) 0705 - No comparable missense variants have previous evidence for pathogenicity. (I) 0807 - This variant has no previous evidence of pathogenicity. (I) 0905 - No published segregation evidence has been identified for this variant. (I) 1007 - No published functional evidence has been identified for this variant. (I) Legend: (SP) - Supporting pathogenic, (I) - Information, (SB) - Supporting benign

Literature cited by the submitters: PubMed 33810051 (cited by Victorian Clinical Genetics Services, Murdoch Childrens Research Institute).